The following is an entry in ClinVar:

ClinVar aggregate classification (germline): Uncertain significance (1 of 4 stars; one submission).

Conditions:
Candidiasis, familial, 6 (CANDF6). Also called: Candidiasis, familial, 6, autosomal dominant. Identifiers: Orphanet 1334, MedGen C3151405, MONDO:0013503, OMIM 613956.

Submission:

Labcorp Genetics (formerly Invitae), Labcorp
Classification: Uncertain significance for Candidiasis, familial, 6. Last evaluated: 2025-08-10. Review status: criteria provided, single submitter. Criteria: Invitae Variant Classification Sherloc (09022015). Collection method: clinical testing. Allele origin: germline.
Comment: This sequence change creates a premature translational stop signal (p.Ile33Asnfs*13) in the IL17F gene. It is expected to result in an absent or disrupted protein product. However, the current clinical and genetic evidence is not sufficient to establish whether loss-of-function variants in IL17F cause disease. This variant is present in population databases (rs746592495, gnomAD 0.01%). This variant has not been reported in the literature in individuals affected with IL17F-related conditions. In summary, the available evidence is currently insufficient to determine the role of this variant in disease. Therefore, it has been classified as a Variant of Uncertain Significance.

NM_052872.4(IL17F):c.97dup (p.Ile33fs)

Gene: IL17F (interleukin 17F; minus strand). Cytogenetic location: 6p12.2.
Variant type: Duplication.
Coding change: c.97dup on transcript NM_052872.4 (MANE Select); coding-DNA position 97, one base duplicated (A; older notation c.97dupA).
Protein change: p.Ile33fs; shifts the reading frame from isoleucine 33.
Molecular consequence: frameshift variant.
Genome position (GRCh38, 1-based): chr6:52,238,887, T duplicated on the plus strand (A on the coding strand, the reverse complement: IL17F is on the minus strand); the first of 4 consecutive T bases (chr6:52,238,887-52,238,890); duplicating any one gives the same sequence. VCF-style (leftmost placement, unchanged base first): chr6-52238886-A-AT. GRCh37 (hg19) VCF-style: chr6-52103684-A-AT.
Other names: short protein forms I33fs.
Identifiers: ClinVar variation 4725181 (VCV004725181.1).
Genomic context (GRCh38, chr6:52,238,886, plus strand): 5'-CCTCCTGGCACAGGCGGGCAACTCTCAGGCTTTTGGAAAAAAGTATGTCCTACTTTGGGG[A>AT]TTTTCCGAGCTGCCGCCTCACTCAGAAAGGCAAGCCCCAATATCGACAGCAGCAAGTACT-3'